The following is an entry in ClinVar:

NM_000829.4(GRIA4):c.384C>T (p.Ser128=)

Genes: GRIA4 (glutamate ionotropic receptor AMPA type subunit 4; plus strand), LOC126861324 (CDK7 strongly-dependent group 2 enhancer GRCh37_chr11:105623830-105625029; plus strand). Cytogenetic location: 11q22.3.
Variant type: single nucleotide variant.
Coding change: c.384C>T on transcript NM_000829.4 (MANE Select); coding-DNA position 384, C replaced by T.
Protein change: p.Ser128=; no amino-acid change (serine 128 retained).
Molecular consequence: synonymous variant. On other transcripts: non-coding transcript variant (1).
Genome position (GRCh38, 1-based): chr11:105,753,117, C>T. VCF-style: chr11-105753117-C-T. GRCh37 (hg19) VCF-style: chr11-105623843-C-T.
Other names: c.384C>T, p.Ser128= (NM_001077243.3, NM_001077244.2, NM_001112812.2 and 20 more transcripts).
Identifiers: ClinVar variation 4875098 (VCV004875098.2).

ClinVar aggregate classification (germline): Likely benign (1 of 4 stars; one submission).

gnomAD v4.1: 2 of 1,613,808 alleles (0.00012%); highest among the groups gnomAD compares: Non-Finnish European, 0.00017%; no homozygotes.

Submission:

CeGaT Center for Human Genetics Tuebingen
Classification: Likely benign. Last evaluated: 2026-06-01. Review status: criteria provided, single submitter. Criteria: CeGaT Center For Human Genetics Tuebingen Variant Classification Criteria Version 2. Collection method: clinical testing. Allele origin: germline. Affected: yes. Observed: 1 variant allele.
Comment: GRIA4: BP4, BP7